The following is an entry in ClinVar:

ClinVar aggregate classification (germline): Likely benign. Review status: criteria provided, multiple submitters, no conflicts (2 of 4 stars). 3 submissions from 3 submitters: Likely benign (3). Last evaluated 2024-06-12.

Conditions:
Familial cancer of breast. Also called: BREAST CANCER, FAMILIAL; Hereditary breast cancer; hereditary breast carcinoma. Identifiers: Orphanet 227535, MedGen C0346153, MONDO:0016419, OMIM 114480. Disease mechanism: loss of function.
Ataxia-telangiectasia syndrome (AT). Also called: LOUIS-BAR SYNDROME; Cerebello-oculocutaneous telangiectasia; Immunodeficiency with ataxia telangiectasia; Ataxia telangiectasia (A-T); Ataxia-telangiectasia, complementation group D; AT, COMPLEMENTATION GROUP C. Identifiers: Orphanet 100, MedGen C0004135, MONDO:0008840, OMIM 208900.
Hereditary cancer-predisposing syndrome. Also called: Neoplastic Syndromes, Hereditary; Tumor predisposition; Hereditary Cancer Syndrome; Hereditary neoplastic syndrome. Identifiers: Orphanet 140162, MedGen C0027672, MeSH D009386, MONDO:0015356.

Allele frequency attached by ClinVar (database versions not stated): TOPMed below 0.00001; gnomAD 0.00001.
gnomAD v4.1: 1 of 1,613,016 alleles (0.000062%); highest among the groups gnomAD compares: Non-Finnish European, 0.000085%; no homozygotes.

Submissions (3):

Myriad Genetics, Inc.
Classification: Likely benign for Familial cancer of breast. Last evaluated: 2024-06-12. Review status: criteria provided, single submitter. Criteria: Myriad Autosomal Dominant, Autosomal Recessive and X-Linked Classification Criteria (2023). Collection method: clinical testing. Allele origin: unknown.
Comment: This variant is considered likely benign. This variant is intronic and is not expected to impact mRNA splicing.

Color Diagnostics, LLC DBA Color Health
Classification: Likely benign for Hereditary cancer-predisposing syndrome. Last evaluated: 2023-06-20. Review status: criteria provided, single submitter. Criteria: ACMG Guidelines, 2015. Collection method: clinical testing. Allele origin: germline.

Labcorp Genetics (formerly Invitae), Labcorp
Classification: Likely benign for Ataxia-telangiectasia syndrome. Last evaluated: 2021-12-11. Review status: criteria provided, single submitter. Criteria: Invitae Variant Classification Sherloc (09022015). Collection method: clinical testing. Allele origin: germline.

NM_000051.4(ATM):c.6808-14C>T

Genes: ATM (ATM serine/threonine kinase; plus strand), C11orf65 (chromosome 11 open reading frame 65; minus strand). Cytogenetic location: 11q22.3.
Variant type: single nucleotide variant.
Coding change: c.6808-14C>T on transcript NM_000051.4 (MANE Select); 14 bases into the intron before coding-DNA position 6808, C replaced by T.
Molecular consequence: intron variant.
Genome position (GRCh38, 1-based): chr11:108,326,044, C>T. VCF-style: chr11-108326044-C-T. GRCh37 (hg19) VCF-style: chr11-108196771-C-T.
Other names: c.6808-14C>T (NM_001351834.2); c.641-16973G>A (NM_001330368.2); c.*38+9176G>A (NM_001351110.2).
Identifiers: ClinVar variation 1612565 (VCV001612565.10), dbSNP rs932081789, ClinGen allele CA228412511.